The following is an entry in ClinVar:

ClinVar aggregate classification (germline): Uncertain significance (1 of 4 stars; one submission).

Conditions:
Cardiovascular phenotype. Identifiers: MedGen CN230736.

Submission:

Ambry Genetics
Classification: Uncertain significance for Cardiovascular phenotype. Last evaluated: 2022-01-06. Review status: criteria provided, single submitter. Criteria: Ambry Variant Classification Scheme 2023. Collection method: clinical testing. Allele origin: germline.
Comment: The p.N3689D variant (also known as c.11065A>G), located in coding exon 16 of the ALMS1 gene, results from an A to G substitution at nucleotide position 11065. The asparagine at codon 3689 is replaced by aspartic acid, an amino acid with highly similar properties. This amino acid position is not well conserved in available vertebrate species. In addition, this alteration is predicted to be tolerated by in silico analysis. Since supporting evidence is limited at this time, the clinical significance of this alteration remains unclear.

NM_001378454.1(ALMS1):c.11062A>G (p.Asn3688Asp)

Gene: ALMS1 (ALMS1 centrosome and basal body associated protein; plus strand). Cytogenetic location: 2p13.1.
Variant type: single nucleotide variant.
Coding change: c.11062A>G on transcript NM_001378454.1 (MANE Select); coding-DNA position 11062, A replaced by G.
Protein change: p.Asn3688Asp; replaces asparagine 3688 with aspartic acid.
Molecular consequence: missense variant.
Genome position (GRCh38, 1-based): chr2:73,572,939, A>G. VCF-style: chr2-73572939-A-G. GRCh37 (hg19) VCF-style: chr2-73800066-A-G.
Other names: c.11065A>G, p.Asn3689Asp (NM_015120.4); short protein forms N3688D, N3689D.
Identifiers: ClinVar variation 1793680 (VCV001793680.2), dbSNP rs2466445699, ClinGen allele CA347287158.